The following is an entry in ClinVar:

ClinVar aggregate classification (germline): Uncertain significance (1 of 4 stars; one submission).

gnomAD v4.1: 4 of 1,474,276 alleles (0.00027%); highest among the groups gnomAD compares: African/African-American, 0.0015%; no homozygotes.

Submission:

Labcorp Genetics (formerly Invitae), Labcorp
Classification: Uncertain significance. Last evaluated: 2025-09-04. Review status: criteria provided, single submitter. Criteria: Invitae Variant Classification Sherloc (09022015). Collection method: clinical testing. Allele origin: germline.
Comment: This sequence change replaces arginine, which is basic and polar, with glutamine, which is neutral and polar, at codon 766 of the SYNPO protein (p.Arg766Gln). This variant is present in population databases (no rsID available, gnomAD 0.01%). This variant has not been reported in the literature in individuals affected with SYNPO-related conditions. An algorithm developed to predict the effect of missense changes on protein structure and function (PolyPhen-2) suggests that this variant is likely to be disruptive. In summary, the available evidence is currently insufficient to determine the role of this variant in disease. Therefore, it has been classified as a Variant of Uncertain Significance.

NM_007286.6(SYNPO):c.2297G>A (p.Arg766Gln)

Gene: SYNPO (synaptopodin; plus strand). Cytogenetic location: 5q33.1.
Variant type: single nucleotide variant.
Coding change: c.2297G>A on transcript NM_007286.6 (MANE Select); coding-DNA position 2297, G replaced by A.
Protein change: p.Arg766Gln; replaces arginine 766 with glutamine.
Molecular consequence: missense variant.
Genome position (GRCh38, 1-based): chr5:150,656,672, G>A. VCF-style: chr5-150656672-G-A. GRCh37 (hg19) VCF-style: chr5-150036234-G-A.
Other names: short protein forms R766Q.
Identifiers: ClinVar variation 4759653 (VCV004759653.1).